The following is an entry in ClinVar:

NM_002907.4(RECQL):c.1846G>C (p.Glu616Gln)

Genes: PYROXD1 (pyridine nucleotide-disulphide oxidoreductase domain 1; plus strand), RECQL (RecQ like helicase; minus strand). Cytogenetic location: 12p12.1.
Variant type: single nucleotide variant.
Coding change: c.1846G>C on transcript NM_002907.4 (MANE Select); coding-DNA position 1846, G replaced by C.
Protein change: p.Glu616Gln; replaces glutamic acid 616 with glutamine.
Molecular consequence: missense variant. On other transcripts: 3 prime UTR variant (3).
Genome position (GRCh38, 1-based): chr12:21,470,298, C>G on the plus strand (G>C on the coding strand, the complement: RECQL is on the minus strand). VCF-style: chr12-21470298-C-G. GRCh37 (hg19) VCF-style: chr12-21623232-C-G.
Other names: c.1846G>C, p.Glu616Gln (NM_032941.3); c.*1544C>G (NM_001350912.2, NM_001350913.2, NM_024854.5); short protein forms E616Q.
Identifiers: ClinVar variation 4768866 (VCV004768866.1).
Genomic context (GRCh38, chr12:21,470,298, plus strand): 5'-AACCAGATTGCTGAAGCATGTTTGCAGCCTTCTTCTGGAAGTTGCCTGAATTTTTTTCCT[C>G]CATCTTTTTATCACCTTGTTCAGAATGACAAGTTTGAGACGATTCAGCCTACAAAAAAAA-3'
Protein context (NP_002898.2, residues 606-626): CHSEQGDKKM[Glu616Gln]EKNSGNFQKK

ClinVar aggregate classification (germline): Uncertain significance (1 of 4 stars; one submission).

Submission:

Labcorp Genetics (formerly Invitae), Labcorp
Classification: Uncertain significance. Last evaluated: 2025-04-01. Review status: criteria provided, single submitter. Criteria: Invitae Variant Classification Sherloc (09022015). Collection method: clinical testing. Allele origin: germline.
Comment: This sequence change replaces glutamic acid, which is acidic and polar, with glutamine, which is neutral and polar, at codon 616 of the RECQL protein (p.Glu616Gln). This variant is not present in population databases (gnomAD no frequency). This variant has not been reported in the literature in individuals affected with RECQL-related conditions. An algorithm developed to predict the effect of missense changes on protein structure and function outputs the following: PolyPhen-2: "Benign". The glutamine amino acid residue is found in multiple mammalian species, which suggests that this missense change does not adversely affect protein function. In summary, the available evidence is currently insufficient to determine the role of this variant in disease. Therefore, it has been classified as a Variant of Uncertain Significance.